The following is an entry in ClinVar:

ClinVar aggregate classification (germline): Uncertain significance (1 of 4 stars; one submission).

gnomAD v4.1: 2 of 1,210,364 alleles (0.00017%); highest among the groups gnomAD compares: Non-Finnish European, 0.00011%; no homozygotes.

Submission:

GeneDx
Classification: Uncertain significance. Last evaluated: 2025-07-23. Review status: criteria provided, single submitter. Criteria: GeneDx Variant Classification Process June 2021. Collection method: clinical testing. Allele origin: germline. Affected: yes.
Comment: In silico analysis suggests that this missense variant does not alter protein structure/function; Has not been previously published as pathogenic or benign to our knowledge

NM_173495.3(PTCHD1):c.1948G>A (p.Val650Met)

Gene: PTCHD1 (patched domain containing 1; plus strand). Cytogenetic location: Xp22.11.
Variant type: single nucleotide variant.
Coding change: c.1948G>A on transcript NM_173495.3 (MANE Select); coding-DNA position 1948, G replaced by A.
Protein change: p.Val650Met; replaces valine 650 with methionine.
Molecular consequence: missense variant.
Genome position (GRCh38, 1-based): chrX:23,393,466, G>A. VCF-style: chrX-23393466-G-A. GRCh37 (hg19) VCF-style: chrX-23411583-G-A.
Other names: short protein forms V650M.
Identifiers: ClinVar variation 4686985 (VCV004686985.1).
Genomic context (GRCh38, chrX:23,393,466, plus strand): 5'-ATCATCTTCTCTAAAAAATACAATGATGAGGTCGATGTAGTGGCCTCCAGAATGTTTTTG[G>A]TGGCCAAGACCATGGAAACAAACAGAGAAGAACTCTATGATCTCTTGGAAACCCTGAGGA-3'
Protein context (NP_775766.2, residues 640-660): VDVVASRMFL[Val650Met]AKTMETNREE